The following is an entry in ClinVar:

NM_002691.4(POLD1):c.2359C>G (p.Pro787Ala)

Gene: POLD1 (DNA polymerase delta 1, catalytic subunit; plus strand). Cytogenetic location: 19q13.33.
Variant type: single nucleotide variant.
Coding change: c.2359C>G on transcript NM_002691.4 (MANE Select); coding-DNA position 2359, C replaced by G.
Protein change: p.Pro787Ala; replaces proline 787 with alanine.
Molecular consequence: missense variant. On other transcripts: non-coding transcript variant (1).
Genome position (GRCh38, 1-based): chr19:50,413,850, C>G. VCF-style: chr19-50413850-C-G. GRCh37 (hg19) VCF-style: chr19-50917107-C-G.
Other names: c.2359C>G, p.Pro787Ala (NM_001256849.1); c.2437C>G, p.Pro813Ala (NM_001308632.1); short protein forms P787A, P813A.
Identifiers: ClinVar variation 2135736 (VCV002135736.4), dbSNP rs2122450868, ClinGen allele CA406984321.

ClinVar aggregate classification (germline): Uncertain significance (1 of 4 stars; one submission).

Conditions:
POLD1-related polyposis and colorectal cancer syndrome (CRCS10). Also called: Colorectal cancer 10; COLORECTAL CANCER, SUSCEPTIBILITY TO, ON CHROMOSOME 19q; Colorectal cancer, susceptibility to, 10. Identifiers: Orphanet 220460, MedGen C2675481, MONDO:0012953, OMIM 612591.

Allele frequency attached by ClinVar (database versions not stated): gnomAD exomes below 0.00001.
gnomAD v4.1: 1 of 1,608,824 alleles (0.000062%); highest among the groups gnomAD compares: Non-Finnish European, 0.000085%; no homozygotes.

Submission:

Labcorp Genetics (formerly Invitae), Labcorp
Classification: Uncertain significance for POLD1-related polyposis and colorectal cancer syndrome. Last evaluated: 2022-08-23. Review status: criteria provided, single submitter. Criteria: Invitae Variant Classification Sherloc (09022015). Collection method: clinical testing. Allele origin: germline.
Comment: In summary, the available evidence is currently insufficient to determine the role of this variant in disease. Therefore, it has been classified as a Variant of Uncertain Significance. Algorithms developed to predict the effect of missense changes on protein structure and function (SIFT, PolyPhen-2, Align-GVGD) all suggest that this variant is likely to be tolerated. This variant has not been reported in the literature in individuals affected with POLD1-related conditions. This variant is not present in population databases (gnomAD no frequency). This sequence change replaces proline, which is neutral and non-polar, with alanine, which is neutral and non-polar, at codon 787 of the POLD1 protein (p.Pro787Ala).